The following is an entry in ClinVar:

NM_015295.3(SMCHD1):c.173_174insCT (p.Gln62fs)

Genes: SMCHD1 (structural maintenance of chromosomes flexible hinge domain containing 1; plus strand), LOC130062084 (ATAC-STARR-seq lymphoblastoid silent region 9247; plus strand). Cytogenetic location: 18p11.32.
Variant type: Insertion.
Coding change: c.173_174insCT on transcript NM_015295.3 (MANE Select); coding-DNA positions 173 to 174, CT inserted.
Protein change: p.Gln62fs; shifts the reading frame from glutamine 62.
Molecular consequence: frameshift variant.
Genome position: GRCh38 VCF-style: chr18-2656248-C-CCT. GRCh37 (hg19) VCF-style: chr18-2656247-C-CCT.
Other names: short protein forms Q62fs.
Identifiers: ClinVar variation 4695150 (VCV004695150.1).
Genomic context (GRCh38, chr18:2,656,248, plus strand): 5'-CCGAGCTCGGGGACCGGCCTCTGCAGGTCGGGGAGCGCTCGGACTACGCGGGATTTCGCG[C>CCT]GTGTGTGTGTCAGGTACGCGAAGGGGCGAGGAAGGGATGCGCGTGTAGACTTGGGGGCGG-3'

ClinVar aggregate classification (germline): Pathogenic (1 of 4 stars; one submission).

Conditions:
Facioscapulohumeral muscular dystrophy 2 (FSHD2). Also called: MUSCULAR DYSTROPHY, FACIOSCAPULOHUMERAL, TYPE 1B; FACIOSCAPULOHUMERAL MUSCULAR DYSTROPHY 2, DIGENIC; FSHD2, DIGENIC. Identifiers: Orphanet 269, MedGen C1834671, MONDO:0008031, OMIM 158901.

Submission:

Labcorp Genetics (formerly Invitae), Labcorp
Classification: Pathogenic for Facioscapulohumeral muscular dystrophy 2. Last evaluated: 2025-10-09. Review status: criteria provided, single submitter. Criteria: Invitae Variant Classification Sherloc (09022015). Collection method: clinical testing. Allele origin: germline.
Comment: This sequence change creates a premature translational stop signal (p.Gln62Valfs*48) in the SMCHD1 gene. It is expected to result in an absent or disrupted protein product. Loss-of-function variants in SMCHD1 are known to be pathogenic (PMID: 23143600). This variant is not present in population databases (gnomAD no frequency). This premature translational stop signal has been observed in individual(s) with clinical features of fascioscapulohumeral muscular dystrophy (PMID: 31243061). For these reasons, this variant has been classified as Pathogenic.

Literature cited by the submitters: PubMed 23143600; PubMed 31243061.